The following is an entry in ClinVar:

ClinVar aggregate classification (germline): Conflicting classifications of pathogenicity. Review status: criteria provided, conflicting classifications (1 of 4 stars). 6 submissions from 1 submitter: Uncertain significance (2); Benign (3); Likely benign (1). Last evaluated 2018-01-12.

Conditions:
Choroidal dystrophy, central areolar 2 (CACD2). Also called: MACULAR DYSTROPHY, PROGRESSIVE; Choriodal Dystrophy, Central Areolar 2. Identifiers: Orphanet 75377, MedGen C2751290, MONDO:0013137, OMIM 613105.
Cone-rod dystrophy. Also called: Cone-rod degeneration; Cone/cone-rod dystrophy. Identifiers: Orphanet 1872, MedGen C4085590, MONDO:0015993, HP:0000548.
Patterned macular dystrophy 1. Also called: BUTTERFLY DYSTROPHY OF RETINAL PIGMENT EPITHELIUM; MACULAR DYSTROPHY, BUTTERFLY-SHAPED PIGMENTARY. Identifiers: Orphanet 99001, MedGen C4551999, MONDO:0008210, OMIM 169150.
Pigmentary retinal dystrophy. Also called: Fundus albipunctatus. Identifiers: Orphanet 227796, Orphanet 52427, MedGen C0311338, MONDO:0007639, OMIM 136880, HP:0030642.
Retinitis pigmentosa (RP). Identifiers: Orphanet 791, MedGen C0035334, MeSH D012174, MONDO:0019200, OMIM 268000. Inheritance: Autosomal dominant, autosomal recessive and X linked inheritance.
Adult-onset foveomacular vitelliform dystrophy. Also called: FOVEOMACULAR DYSTROPHY, ADULT-ONSET; FOVEOMACULAR DYSTROPHY, ADULT-ONSET, WITH OR WITHOUT CHOROIDAL NEOVASCULARIZATION; Adult onset vitelliform dystrophy. Identifiers: Orphanet 99000, MedGen C1842914, MONDO:0011979.

Allele frequency attached by ClinVar (database versions not stated): TOPMed 0.00037; 1000 Genomes Project 30x 0.00047; 1000 Genomes Project 0.00060.

Submissions (6):

Illumina Laboratory Services, Illumina
Classification: Benign for Vitelliform macular dystrophy 3. Last evaluated: 2018-01-12. Review status: criteria provided, single submitter. Criteria: ICSL Variant Classification Criteria 13 December 2019. Collection method: clinical testing. Allele origin: germline.
Comment: This variant was observed in the ICSL laboratory as part of a predisposition screen in an ostensibly healthy population. It had not been previously curated by ICSL or reported in the Human Gene Mutation Database (HGMD: prior to June 1st, 2018), and was therefore a candidate for classification through an automated scoring system. Utilizing variant allele frequency, disease prevalence and penetrance estimates, and inheritance mode, an automated score was calculated to assess if this variant is too frequent to cause the disease. Based on the score and internal cut-off values, a variant classified as benign is not then subjected to further curation. The score for this variant resulted in a classification of benign for this disease.

Illumina Laboratory Services, Illumina
Classification: Benign for Choroidal dystrophy, central areolar 2. Last evaluated: 2018-01-12. Review status: criteria provided, single submitter. Criteria: ICSL Variant Classification Criteria 13 December 2019. Collection method: clinical testing. Allele origin: germline.
Comment: the same text as in the submission from Illumina Laboratory Services, Illumina above.

Illumina Laboratory Services, Illumina
Classification: Uncertain significance for Pigmentary retinal dystrophy. Last evaluated: 2018-01-12. Review status: criteria provided, single submitter. Criteria: ICSL Variant Classification Criteria 13 December 2019. Collection method: clinical testing. Allele origin: germline.

Illumina Laboratory Services, Illumina
Classification: Benign for Cone-rod dystrophy. Last evaluated: 2018-01-12. Review status: criteria provided, single submitter. Criteria: ICSL Variant Classification Criteria 13 December 2019. Collection method: clinical testing. Allele origin: germline.
Comment: the same text as in the submission from Illumina Laboratory Services, Illumina above.

Illumina Laboratory Services, Illumina
Classification: Uncertain significance for Patterned macular dystrophy 1. Last evaluated: 2018-01-12. Review status: criteria provided, single submitter. Criteria: ICSL Variant Classification Criteria 13 December 2019. Collection method: clinical testing. Allele origin: germline.

Illumina Laboratory Services, Illumina
Classification: Likely benign for Retinitis pigmentosa. Last evaluated: 2018-01-12. Review status: criteria provided, single submitter. Criteria: ICSL Variant Classification Criteria 13 December 2019. Collection method: clinical testing. Allele origin: germline.
Comment: This variant was observed in the ICSL laboratory as part of a predisposition screen in an ostensibly healthy population. It had not been previously curated by ICSL or reported in the Human Gene Mutation Database (HGMD: prior to June 1st, 2018), and was therefore a candidate for classification through an automated scoring system. Utilizing variant allele frequency, disease prevalence and penetrance estimates, and inheritance mode, an automated score was calculated to assess if this variant is too frequent to cause the disease. Based on the score and internal cut-off values, a variant classified as likely benign is not then subjected to further curation. The score for this variant resulted in a classification of likely benign for this disease.

NM_000322.5(PRPH2):c.*797G>A

Gene: PRPH2 (peripherin 2; minus strand). Cytogenetic location: 6p21.1.
Variant type: single nucleotide variant.
Coding change: c.*797G>A on transcript NM_000322.5 (MANE Select); 797 bases downstream of the stop codon, G replaced by A.
Molecular consequence: 3 prime UTR variant.
Genome position (GRCh38, 1-based): chr6:42,697,498, C>T on the plus strand (G>A on the coding strand, the complement: PRPH2 is on the minus strand). VCF-style: chr6-42697498-C-T. GRCh37 (hg19) VCF-style: chr6-42665236-C-T.
Identifiers: ClinVar variation 356761 (VCV000356761.5), dbSNP rs188694434, ClinGen allele CA10623927.